The following is an entry in ClinVar:

ClinVar aggregate classification (germline): Uncertain significance. Review status: criteria provided, multiple submitters, no conflicts (2 of 4 stars). 2 submissions from 2 submitters: Uncertain significance (2). Last evaluated 2025-04-20.

Conditions:
Ichthyosis linearis circumflexa. Identifiers: MedGen C0265962, MONDO:0043106, HP:0025810.
Inborn genetic diseases. Identifiers: MedGen C0950123, MeSH D030342.

Allele frequency attached by ClinVar (database versions not stated): TOPMed 0.00003; ExAC 0.00004; gnomAD exomes 0.00005; gnomAD 0.00007.
gnomAD v4.1: 82 of 1,613,790 alleles (0.0051%); highest among the groups gnomAD compares: Admixed American, 0.025%; no homozygotes.

Submissions (2):

Ambry Genetics
Classification: Uncertain significance for Inborn genetic diseases. Last evaluated: 2025-04-20. Review status: criteria provided, single submitter. Criteria: Ambry Variant Classification Scheme 2023. Collection method: clinical testing. Allele origin: germline.

Labcorp Genetics (formerly Invitae), Labcorp
Classification: Uncertain significance for Ichthyosis linearis circumflexa. Last evaluated: 2024-11-05. Review status: criteria provided, single submitter. Criteria: Invitae Variant Classification Sherloc (09022015). Collection method: clinical testing. Allele origin: germline.
Comment: This sequence change replaces arginine, which is basic and polar, with histidine, which is basic and polar, at codon 571 of the SPINK5 protein (p.Arg571His). This variant is present in population databases (rs780631964, gnomAD 0.01%). This variant has not been reported in the literature in individuals affected with SPINK5-related conditions. ClinVar contains an entry for this variant (Variation ID: 1412327). Invitae Evidence Modeling of protein sequence and biophysical properties (such as structural, functional, and spatial information, amino acid conservation, physicochemical variation, residue mobility, and thermodynamic stability) indicates that this missense variant is not expected to disrupt SPINK5 protein function with a negative predictive value of 80%. In summary, the available evidence is currently insufficient to determine the role of this variant in disease. Therefore, it has been classified as a Variant of Uncertain Significance.

NM_006846.4(SPINK5):c.1712G>A (p.Arg571His)

Gene: SPINK5 (serine peptidase inhibitor Kazal type 5; plus strand). Cytogenetic location: 5q32.
Variant type: single nucleotide variant.
Coding change: c.1712G>A on transcript NM_006846.4 (MANE Select); coding-DNA position 1712, G replaced by A.
Protein change: p.Arg571His; replaces arginine 571 with histidine.
Molecular consequence: missense variant.
Genome position (GRCh38, 1-based): chr5:148,111,787, G>A. VCF-style: chr5-148111787-G-A. GRCh37 (hg19) VCF-style: chr5-147491350-G-A.
Other names: c.1712G>A (NM_006846.3); c.1712G>A, p.Arg571His (NM_001127698.2, NM_001127699.2); short protein forms R571H.
Identifiers: ClinVar variation 1412327 (VCV001412327.9), dbSNP rs780631964, ClinGen allele CA3495717.